The following is an entry in ClinVar:

ClinVar aggregate classification (germline): Uncertain significance (1 of 4 stars; one submission).

Conditions:
Inborn genetic diseases. Identifiers: MedGen C0950123, MeSH D030342.

Submission:

Ambry Genetics
Classification: Uncertain significance for Inborn genetic diseases. Last evaluated: 2025-01-20. Review status: criteria provided, single submitter. Criteria: Ambry Variant Classification Scheme 2023. Collection method: clinical testing. Allele origin: germline.
Comment: The p.A845T variant (also known as c.2533G>A), located in coding exon 26 of the RTEL1 gene, results from a G to A substitution at nucleotide position 2533. The alanine at codon 845 is replaced by threonine, an amino acid with similar properties. This amino acid position is conserved. In addition, this alteration is predicted to be tolerated by in silico analysis. Based on the available evidence, the clinical significance of this variant remains unclear.

NM_001283009.2(RTEL1):c.2533G>A (p.Ala845Thr)

Genes: RTEL1 (regulator of telomere elongation helicase 1; plus strand), RTEL1-TNFRSF6B (RTEL1-TNFRSF6B readthrough (NMD candidate); plus strand). Cytogenetic location: 20q13.33.
Variant type: single nucleotide variant.
Coding change: c.2533G>A on transcript NM_001283009.2 (MANE Select); coding-DNA position 2533, G replaced by A.
Protein change: p.Ala845Thr; replaces alanine 845 with threonine.
Molecular consequence: missense variant. On other transcripts: non-coding transcript variant (1).
Genome position (GRCh38, 1-based): chr20:63,690,924, G>A. VCF-style: chr20-63690924-G-A. GRCh37 (hg19) VCF-style: chr20-62322277-G-A.
Other names: c.1864G>A, p.Ala622Thr (NM_001283010.1); c.2533G>A, p.Ala845Thr (NM_016434.4); c.2605G>A, p.Ala869Thr (NM_032957.5); short protein forms A622T, A845T, A869T.
Identifiers: ClinVar variation 3791078 (VCV003791078.1).